The following is an entry in ClinVar:

ClinVar aggregate classification (germline): Benign (1 of 4 stars; one submission).

Conditions:
Retinitis pigmentosa (RP). Identifiers: Orphanet 791, MedGen C0035334, MeSH D012174, MONDO:0019200, OMIM 268000. Inheritance: Autosomal dominant, autosomal recessive and X linked inheritance.

Allele frequency attached by ClinVar (database versions not stated): 1000 Genomes Project 0.22744; TOPMed 0.18751; gnomAD 0.19007 and 0.19842; 1000 Genomes Project 30x 0.21861.
gnomAD v4.1: 30,190 of 152,004 alleles (20%); highest among the groups gnomAD compares: South Asian, 38%; 3,292 homozygotes.

Submission:

Illumina Laboratory Services, Illumina
Classification: Benign for Retinitis pigmentosa. Last evaluated: 2018-01-13. Review status: criteria provided, single submitter. Criteria: ICSL Variant Classification Criteria 13 December 2019. Collection method: clinical testing. Allele origin: germline.
Comment: This variant was observed in the ICSL laboratory as part of a predisposition screen in an ostensibly healthy population. It had not been previously curated by ICSL or reported in the Human Gene Mutation Database (HGMD: prior to June 1st, 2018), and was therefore a candidate for classification through an automated scoring system. Utilizing variant allele frequency, disease prevalence and penetrance estimates, and inheritance mode, an automated score was calculated to assess if this variant is too frequent to cause the disease. Based on the score and internal cut-off values, a variant classified as benign is not then subjected to further curation. The score for this variant resulted in a classification of benign for this disease.

NM_002098.6(GUCA1B):c.*1318G>A

Gene: GUCA1B (guanylate cyclase activator 1B; minus strand). Cytogenetic location: 6p21.1.
Variant type: single nucleotide variant.
Coding change: c.*1318G>A on transcript NM_002098.6 (MANE Select); 1318 bases downstream of the stop codon, G replaced by A.
Molecular consequence: 3 prime UTR variant.
Genome position (GRCh38, 1-based): chr6:42,183,497, C>T on the plus strand (G>A on the coding strand, the complement: GUCA1B is on the minus strand). VCF-style: chr6-42183497-C-T. GRCh37 (hg19) VCF-style: chr6-42151235-C-T.
Identifiers: ClinVar variation 356700 (VCV000356700.6), dbSNP rs1997980, ClinGen allele CA10622082.